The following is an entry in ClinVar:

NM_020066.5(FMN2):c.2575C>T (p.Pro859Ser)

Gene: FMN2 (formin 2; plus strand). Cytogenetic location: 1q43.
Variant type: single nucleotide variant.
Coding change: c.2575C>T on transcript NM_020066.5 (MANE Select); coding-DNA position 2575, C replaced by T.
Protein change: p.Pro859Ser; replaces proline 859 with serine.
Molecular consequence: missense variant. On other transcripts: intron variant (1).
Genome position (GRCh38, 1-based): chr1:240,207,387, C>T. VCF-style: chr1-240207387-C-T. GRCh37 (hg19) VCF-style: chr1-240370687-C-T.
Other names: c.2587C>T, p.Pro863Ser (NM_001305424.2); c.1986+19125C>T (NM_001348094.2); short protein forms P859S, P863S.
Identifiers: ClinVar variation 3340653 (VCV003340653.3).
Genomic context (GRCh38, chr1:240,207,387, plus strand): 5'-ACCAGCCACGAACACTCTGTTTCCTCTGCCTTTAAAAACAGCTGTAACATCCCATCTCCA[C>T]CACCTCTGCCTTGCACAGAGTCCTCCAGCTCCATGCCTGGCCTGGGCATGGTGCCTCCCC-3'
Protein context (NP_064450.3, residues 849-869): FKNSCNIPSP[Pro859Ser]PLPCTESSSS

ClinVar aggregate classification (germline): Uncertain significance. Review status: criteria provided, multiple submitters, no conflicts (2 of 4 stars). 3 submissions from 3 submitters: Uncertain significance (3). Last evaluated 2026-08-06.

Conditions:
Intellectual developmental disorder, autosomal recessive 47. Also called: Intellectual disability, autosomal recessive 47. Identifiers: Orphanet 88616, MedGen C4015444, MONDO:0014524, OMIM 616193.

gnomAD v4.1: 99 of 1,613,904 alleles (0.0061%); highest among the groups gnomAD compares: Admixed American, 0.022%; no homozygotes.

Submissions (3):

OLLIN Analises Genomicas, OLLIN
Classification: Uncertain significance for Intellectual developmental disorder, autosomal recessive 47. Last evaluated: 2026-08-06. Review status: criteria provided, single submitter. Criteria: ACMG Guidelines 2015 PMID 25741868. Collection method: clinical testing. Allele origin: germline.
Comment: This missense variant, located in exon 5 (of 18), has been reported in ClinVar (accession VCV003340653.2) and in gnomAD with an allele frequency of 0.0061%. However, to our knowledge, it has not been reported in the scientific literature. In silico analysis predicts that this variant has a tolerated effect. According to the currently available evidence, this variant has been classified as uncertain significance (PM2_P, BP4_M).

Women's Health and Genetics/Laboratory Corporation of America, LabCorp
Classification: Uncertain significance. Last evaluated: 2026-04-14. Review status: criteria provided, single submitter. Criteria: LabCorp Variant Classification Summary - May 2015. Collection method: clinical testing. Allele origin: germline.
Comment: Variant summary: FMN2 c.2575C>T (p.Pro859Ser) results in a non-conservative amino acid change in the encoded protein sequence. Algorithms developed to predict the effect of missense changes on protein structure and function are either unavailable or do not agree on the potential impact of this missense change. The variant allele was found at a frequency of 9.1e-05 in 251376 control chromosomes. This frequency is not significantly higher than estimated for disease-causing variants in FMN2, allowing no conclusion about variant significance. To our knowledge, no occurrence of c.2575C>T in individuals affected with FMN2-related conditions and no experimental evidence demonstrating its impact on protein function have been reported. ClinVar contains an entry for this variant (Variation ID: 3340653). Based on the evidence outlined above, the variant was classified as uncertain significance.

GeneDx
Classification: Uncertain significance. Last evaluated: 2023-07-20. Review status: criteria provided, single submitter. Criteria: GeneDx Variant Classification Process June 2021. Collection method: clinical testing. Allele origin: germline. Affected: yes.
Comment: In silico analysis supports that this missense variant has a deleterious effect on protein structure/function; Has not been previously published as pathogenic or benign to our knowledge